The following is an entry in ClinVar:

ClinVar aggregate classification (germline): Benign (0 of 4 stars; one submission).

Conditions:
PLXNA4-related disorder. Also called: PLXNA4-related condition.

Allele frequency attached by ClinVar (database versions not stated): ESP Exome Variant Server 0.07781; gnomAD 0.09288; TOPMed 0.10254; 1000 Genomes Project 0.13079; 1000 Genomes Project 30x 0.13242.
gnomAD v4.1: 173,092 of 1,614,040 alleles (11%); highest among the groups gnomAD compares: Admixed American, 26%; 11,483 homozygotes.

Submission:

PreventionGenetics, part of Exact Sciences
Classification: Benign for PLXNA4-related condition. Last evaluated: 2022-07-19. Review status: no assertion criteria provided. Collection method: clinical testing. Allele origin: germline.
Comment: This variant is classified as benign based on ACMG/AMP sequence variant interpretation guidelines (Richards et al. 2015 PMID: 25741868, with internal and published modifications).

NM_020911.2(PLXNA4):c.5547A>G (p.Ala1849=)

Gene: PLXNA4 (plexin A4; minus strand). Cytogenetic location: 7q32.3.
Variant type: single nucleotide variant.
Coding change: c.5547A>G on transcript NM_020911.2 (MANE Select); coding-DNA position 5547, A replaced by G.
Protein change: p.Ala1849=; no amino-acid change (alanine 1849 retained).
Molecular consequence: synonymous variant.
Genome position (GRCh38, 1-based): chr7:132,133,091, T>C on the plus strand (A>G on the coding strand, the complement: PLXNA4 is on the minus strand). VCF-style: chr7-132133091-T-C. GRCh37 (hg19) VCF-style: chr7-131817850-T-C.
Other names: c.5547A>G, p.Ala1849= (NM_001393897.1).
Identifiers: ClinVar variation 3059020 (VCV003059020.2), dbSNP rs75848889, ClinGen allele CA4488875.
Genomic context (GRCh38, chr7:132,133,091, plus strand): 5'-GAGCAGGGCAAAGCTTACCTCCTCGCTGTATTTGCCCACATAGGAGAAGATCTCTGAGAG[T>C]GCACTCATGGTGTTGAACTCATTCATGTGCATCCGGGACTGCTCAGCCAGGTATGCGTTC-3'
Protein context (NP_065962.1, residues 1839-1859): MHMNEFNTMS[Ala1849=]LSEIFSYVGK